The following is an entry in ClinVar:

NM_138393.4(REEP6):c.437G>C (p.Arg146Thr)

Gene: REEP6 (receptor accessory protein 6; plus strand). Cytogenetic location: 19p13.3.
Variant type: single nucleotide variant.
Coding change: c.437G>C on transcript NM_138393.4 (MANE Select); coding-DNA position 437, G replaced by C.
Protein change: p.Arg146Thr; replaces arginine 146 with threonine.
Molecular consequence: missense variant.
Genome position (GRCh38, 1-based): chr19:1,496,373, G>C. VCF-style: chr19-1496373-G-C. GRCh37 (hg19) VCF-style: chr19-1496372-G-C.
Other names: c.437G>C, p.Arg146Thr (NM_001329556.3); short protein forms R146T.
Identifiers: ClinVar variation 1525311 (VCV001525311.6), dbSNP rs751512189, ClinGen allele CA9047573.

ClinVar aggregate classification (germline): Uncertain significance (1 of 4 stars; one submission).

Allele frequency attached by ClinVar (database versions not stated): gnomAD exomes below 0.00001; ExAC 0.00001; gnomAD 0.00001.
gnomAD v4.1: 3 of 1,613,122 alleles (0.00019%); highest among the groups gnomAD compares: South Asian, 0.0022%; no homozygotes.

Submission:

Labcorp Genetics (formerly Invitae), Labcorp
Classification: Uncertain significance. Last evaluated: 2023-05-08. Review status: criteria provided, single submitter. Criteria: Invitae Variant Classification Sherloc (09022015). Collection method: clinical testing. Allele origin: germline.
Comment: In summary, the available evidence is currently insufficient to determine the role of this variant in disease. Therefore, it has been classified as a Variant of Uncertain Significance. Experimental studies and prediction algorithms are not available or were not evaluated, and the functional significance of this variant is currently unknown. ClinVar contains an entry for this variant (Variation ID: 1525311). This variant has not been reported in the literature in individuals affected with REEP6-related conditions. This variant is present in population databases (rs751512189, gnomAD 0.003%). This sequence change replaces arginine, which is basic and polar, with threonine, which is neutral and polar, at codon 146 of the REEP6 protein (p.Arg146Thr).